The following is an entry in ClinVar:

ClinVar aggregate classification (germline): Pathogenic (1 of 4 stars; one submission).

Conditions:
ITSN1-associated neurodevelopmental disorder.

Submission:

Institute of Human Genetics, University of Leipzig Medical Center
Classification: Pathogenic for ITSN1-associated neurodevelopmental disorder. Last evaluated: 2025-10-10. Review status: criteria provided, single submitter. Criteria: ACMG Guidelines, 2015. Collection method: clinical testing. Allele origin: unknown. Inheritance: Autosomal dominant inheritance. Affected: yes.
Comment: Criteria applied: PVS1,PM2

Literature cited by the submitters: PubMed 34707297.

NM_003024.3(ITSN1):c.795_798del (p.Ser266fs)

Gene: ITSN1 (intersectin 1; plus strand). Cytogenetic location: 21q22.11.
Variant type: Deletion.
Coding change: c.795_798del on transcript NM_003024.3 (MANE Select); coding-DNA positions 795 to 798, 4 bases deleted (TTCT; older notation c.795_798delTTCT).
Protein change: p.Ser266fs; shifts the reading frame from serine 266.
Molecular consequence: frameshift variant.
Genome position (GRCh38, 1-based): chr21:33,765,881-33,765,884, TTCT deleted; deleting any 4 consecutive bases within chr21:33,765,878-33,765,884 gives the same sequence; the c. name uses the placement nearest the transcript's 3' end. VCF-style (leftmost placement, unchanged base first): chr21-33765877-ATCTT-A. GRCh37 (hg19) VCF-style: chr21-35138181-ATCTT-A.
Other names: c.795_798del, p.Ser266fs (NM_001001132.2, NM_001331008.2, NM_001331009.2 and 2 more transcripts); c.684_687del, p.Ser229fs (NM_001331012.2); short protein forms S229fs, S266fs.
Identifiers: ClinVar variation 4530574 (VCV004530574.1).